The following is an entry in ClinVar:

ClinVar aggregate classification (germline): Likely benign (1 of 4 stars; one submission).

Conditions:
Catecholaminergic polymorphic ventricular tachycardia (CVPT). Also called: Catecholamine-induced polymorphic ventricular tachycardia. Identifiers: Orphanet 3286, MedGen C5574922, MONDO:0017990.

Submission:

All of Us Research Program, National Institutes of Health
Classification: Likely benign for Catecholaminergic polymorphic ventricular tachycardia. Last evaluated: 2024-02-22. Review status: criteria provided, single submitter. Criteria: ACMG Guidelines, 2015. Collection method: clinical testing. Allele origin: germline. Inheritance: Autosomal dominant inheritance. Observed: 1 variant allele, 1 heterozygote.
Comment: This study involves interpretation of variants in research participants for the purpose of population health screening. Participant phenotype was not available at the time of variant classification. Additional details can be found in publication PMID: 35346344, PMCID: PMC8962531

NM_001035.3(RYR2):c.2907-9G>C

Gene: RYR2 (ryanodine receptor 2; plus strand). Cytogenetic location: 1q43.
Variant type: single nucleotide variant.
Coding change: c.2907-9G>C on transcript NM_001035.3 (MANE Select); 9 bases into the intron before coding-DNA position 2907, G replaced by C.
Molecular consequence: intron variant.
Genome position (GRCh38, 1-based): chr1:237,548,422, G>C. VCF-style: chr1-237548422-G-C. GRCh37 (hg19) VCF-style: chr1-237711722-G-C.
Identifiers: ClinVar variation 3385697 (VCV003385697.1).